The following is an entry in ClinVar:

ClinVar aggregate classification (germline): Benign/Likely benign. Review status: criteria provided, multiple submitters, no conflicts (2 of 4 stars). 6 submissions from 6 submitters: Benign (1); Likely benign (4). 1 of the submissions does not count toward it. Last evaluated 2026-01-20.

Conditions:
FLNC-related disorder. Also called: FLNC-related disorders; FLNC-related condition.
Myofibrillar myopathy 5. Also called: Filaminopathy (type); FILAMINOPATHY, AUTOSOMAL DOMINANT. Identifiers: Orphanet 171445, MedGen C1836050, MONDO:0012289, OMIM 609524.
Hypertrophic cardiomyopathy 26. Also called: Cardiomyopathy, familial hypertrophic, 26. Identifiers: Orphanet 75249, MedGen C4310749, MONDO:0014883, OMIM 617047.
Distal myopathy with posterior leg and anterior hand involvement. Also called: WILLIAMS DISTAL MYOPATHY. Identifiers: Orphanet 63273, MedGen C3279722, MONDO:0013550, OMIM 614065.

Allele frequency attached by ClinVar (database versions not stated): TOPMed 0.00002; gnomAD 0.00010.
gnomAD v4.1: 372 of 1,613,990 alleles (0.023%); highest among the groups gnomAD compares: Non-Finnish European, 0.031%; no homozygotes.

Submissions (6):

Labcorp Genetics (formerly Invitae), Labcorp
Classification: Likely benign for Distal myopathy with posterior leg and anterior hand involvement; Myofibrillar myopathy 5; Hypertrophic cardiomyopathy 26. Last evaluated: 2026-01-20. Review status: criteria provided, single submitter. Criteria: Invitae Variant Classification Sherloc (09022015). Collection method: clinical testing. Allele origin: germline.

Molecular Diagnostic Laboratory for Inherited Cardiovascular Disease, Montreal Heart Institute
Classification: Likely benign. Last evaluated: 2025-04-09. Review status: criteria provided, single submitter. Criteria: ACMG Guidelines, 2015. Collection method: clinical testing. Allele origin: germline. Affected: no.
Comment: BP6

Blueprint Genetics
Classification: Likely benign. Last evaluated: 2024-05-03. Review status: criteria provided, single submitter. Criteria: ACMG Guidelines, 2015. Collection method: clinical testing. Allele origin: germline.

Women's Health and Genetics/Laboratory Corporation of America, LabCorp
Classification: Benign. Last evaluated: 2023-11-27. Review status: criteria provided, single submitter. Criteria: LabCorp Variant Classification Summary - May 2015. Collection method: clinical testing. Allele origin: germline.

GeneDx
Classification: Likely benign. Last evaluated: 2020-11-13. Review status: criteria provided, single submitter. Criteria: GeneDx Variant Classification Process June 2021. Collection method: clinical testing. Allele origin: germline. Affected: yes.

PreventionGenetics, part of Exact Sciences
Classification: Likely benign for FLNC-related condition. Last evaluated: 2020-10-02. Review status: no assertion criteria provided. Collection method: clinical testing. Allele origin: germline. Not counted in ClinVar's aggregate classification.
Comment: This variant is classified as likely benign based on ACMG/AMP sequence variant interpretation guidelines (Richards et al. 2015 PMID: 25741868, with internal and published modifications).

NM_001458.5(FLNC):c.4952-9G>T

Gene: FLNC (filamin C; plus strand). Cytogenetic location: 7q32.1.
Variant type: single nucleotide variant.
Coding change: c.4952-9G>T on transcript NM_001458.5 (MANE Select); 9 bases into the intron before coding-DNA position 4952, G replaced by T.
Molecular consequence: intron variant.
Genome position (GRCh38, 1-based): chr7:128,849,322, G>T. VCF-style: chr7-128849322-G-T. GRCh37 (hg19) VCF-style: chr7-128489376-G-T.
Other names: c.4952-9G>T (NM_001127487.2).
Identifiers: ClinVar variation 539513 (VCV000539513.19), dbSNP rs747821376, ClinGen allele CA4475528.